The following is an entry in ClinVar:

ClinVar aggregate classification (germline): Uncertain significance (1 of 4 stars; one submission).

Allele frequency attached by ClinVar (database versions not stated): gnomAD 0.00001; gnomAD exomes 0.00001; TOPMed 0.00002.
gnomAD v4.1: 21 of 1,613,966 alleles (0.0013%); highest among the groups gnomAD compares: Middle Eastern, 0.016%; no homozygotes.

Submission:

Labcorp Genetics (formerly Invitae), Labcorp
Classification: Uncertain significance. Last evaluated: 2021-08-30. Review status: criteria provided, single submitter. Criteria: Invitae Variant Classification Sherloc (09022015). Collection method: clinical testing. Allele origin: germline.
Comment: This sequence change replaces arginine with histidine at codon 324 of the OCA2 protein (p.Arg324His). The arginine residue is weakly conserved and there is a small physicochemical difference between arginine and histidine. This variant is not present in population databases (ExAC no frequency). This variant has not been reported in the literature in individuals affected with OCA2-related conditions. Advanced modeling of protein sequence and biophysical properties (such as structural, functional, and spatial information, amino acid conservation, physicochemical variation, residue mobility, and thermodynamic stability) performed at Invitae indicates that this missense variant is not expected to disrupt OCA2 protein function. In summary, the available evidence is currently insufficient to determine the role of this variant in disease. Therefore, it has been classified as a Variant of Uncertain Significance.

NM_000275.3(OCA2):c.971G>A (p.Arg324His)

Gene: OCA2 (OCA2 melanosomal transmembrane protein; minus strand). Cytogenetic location: 15q13.1.
Variant type: single nucleotide variant.
Coding change: c.971G>A on transcript NM_000275.3 (MANE Select); coding-DNA position 971, G replaced by A.
Protein change: p.Arg324His; replaces arginine 324 with histidine.
Molecular consequence: missense variant.
Genome position (GRCh38, 1-based): chr15:28,014,849, C>T on the plus strand (G>A on the coding strand, the complement: OCA2 is on the minus strand). VCF-style: chr15-28014849-C-T. GRCh37 (hg19) VCF-style: chr15-28259995-C-T.
Other names: c.971G>A, p.Arg324His (NM_001300984.2); short protein forms R324H.
Identifiers: ClinVar variation 1479421 (VCV001479421.5), dbSNP rs1199627951, ClinGen allele CA391364951.